The following is an entry in ClinVar:

ClinVar aggregate classification (germline): Benign/Likely benign. Review status: criteria provided, multiple submitters, no conflicts (2 of 4 stars). 9 submissions from 9 submitters: Benign (7); Likely benign (2). Last evaluated 2026-03-31.

Conditions:
Cardiovascular phenotype. Identifiers: MedGen CN230736.
Ehlers-Danlos syndrome (EDS). Identifiers: Orphanet 98249, MedGen C0013720, MONDO:0020066.
Brittle cornea syndrome 1 (BCS1). Also called: Corneal fragility keratoglobus, blue sclerae AND joint hypermobility; DYSGENESIS MESODERMALIS CORNEAE ET SCLERAE; CORNEAL FRAGILITY, KERATOGLOBUS, BLUE SCLERAE, JOINT HYPEREXTENSIBILITY; EDS6B; FRAGILITAS OCULI WITH JOINT HYPEREXTENSIBILITY. Identifiers: Orphanet 90354, MedGen C0268344, MONDO:0024543, OMIM 229200.

Allele frequency attached by ClinVar (database versions not stated): gnomAD exomes 0.00255; ExAC 0.00355; gnomAD 0.01110; TOPMed 0.01288; 1000 Genomes Project 30x 0.01296; 1000 Genomes Project 0.01298.
gnomAD v4.1: 3,639 of 1,550,118 alleles (0.23%); highest among the groups gnomAD compares: African/African-American, 4.1%; 68 homozygotes.

Submissions (9):

Women's Health and Genetics/Laboratory Corporation of America, LabCorp
Classification: Likely benign. Last evaluated: 2026-03-31. Review status: criteria provided, single submitter. Criteria: LabCorp Variant Classification Summary - May 2015. Collection method: clinical testing. Allele origin: germline.

Labcorp Genetics (formerly Invitae), Labcorp
Classification: Benign. Last evaluated: 2026-02-04. Review status: criteria provided, single submitter. Criteria: Invitae Variant Classification Sherloc (09022015). Collection method: clinical testing. Allele origin: germline.

Mayo Clinic Laboratories, Mayo Clinic
Classification: Benign. Last evaluated: 2023-02-01. Review status: criteria provided, single submitter. Criteria: ACMG Guidelines, 2015. Collection method: clinical testing. Allele origin: germline. Observed: 18 variant alleles.
Comment: BA1, BS2, BP4

Genome Diagnostics Laboratory, The Hospital for Sick Children
Classification: Benign for Ehlers-Danlos syndrome. Last evaluated: 2022-06-13. Review status: criteria provided, single submitter. Criteria: ACMG Guidelines, 2015. Collection method: clinical testing. Allele origin: germline.

Genome-Nilou Lab
Classification: Benign for Brittle cornea syndrome 1. Last evaluated: 2021-12-05. Review status: criteria provided, single submitter. Criteria: ACMG Guidelines, 2015. Collection method: clinical testing. Allele origin: germline. Affected: no.

Ambry Genetics
Classification: Benign for Cardiovascular phenotype. Last evaluated: 2019-05-15. Review status: criteria provided, single submitter. Criteria: Ambry Variant Classification Scheme 2023. Collection method: clinical testing. Allele origin: germline.

GeneDx
Classification: Benign. Last evaluated: 2019-03-11. Review status: criteria provided, single submitter. Criteria: GeneDx Variant Classification Process June 2021. Collection method: clinical testing. Allele origin: germline. Affected: yes.

Center for Pediatric Genomic Medicine, Children's Mercy Hospital and Clinics
Classification: Benign. Last evaluated: 2016-12-30. Review status: criteria provided, single submitter. Criteria: ACMG Guidelines, 2015. Collection method: clinical testing. Allele origin: germline.

Breakthrough Genomics
Classification: Likely benign. Review status: criteria provided, single submitter. Criteria: ACMG Guidelines, 2015. Collection method: not provided. Allele origin: germline. Inheritance: Autosomal recessive inheritance. Affected: yes.

NM_001367624.2(ZNF469):c.2407G>T (p.Ala803Ser)

Gene: ZNF469 (zinc finger protein 469; plus strand). Cytogenetic location: 16q24.2.
Variant type: single nucleotide variant.
Coding change: c.2407G>T on transcript NM_001367624.2 (MANE Select); coding-DNA position 2407, G replaced by T.
Protein change: p.Ala803Ser; replaces alanine 803 with serine.
Molecular consequence: missense variant.
Genome position (GRCh38, 1-based): chr16:88,429,877, G>T. VCF-style: chr16-88429877-G-T. GRCh37 (hg19) VCF-style: chr16-88496285-G-T.
Other names: NM_001127464.1:c.2407G>T; NM_001127464.2:c.2407G>T; p.Ala803Ser; short protein forms A803S.
Identifiers: ClinVar variation 320886 (VCV000320886.24), dbSNP rs113484918, ClinGen allele CA8224767.